The following is an entry in ClinVar:

NM_002439.5(MSH3):c.1897-6T>C

Gene: MSH3 (mutS homolog 3; plus strand). Cytogenetic location: 5q14.1.
Variant type: single nucleotide variant.
Coding change: c.1897-6T>C on transcript NM_002439.5 (MANE Select); 6 bases into the intron before coding-DNA position 1897, T replaced by C.
Molecular consequence: intron variant.
Genome position (GRCh38, 1-based): chr5:80,767,927, T>C. VCF-style: chr5-80767927-T-C. GRCh37 (hg19) VCF-style: chr5-80063746-T-C.
Other names: c.1897-6T>C (NM_002439.3).
Identifiers: ClinVar variation 754263 (VCV000754263.11), dbSNP rs757231239, ClinGen allele CA3328093.

ClinVar aggregate classification (germline): Conflicting classifications of pathogenicity. Review status: criteria provided, conflicting classifications (1 of 4 stars). 2 submissions from 2 submitters: Uncertain significance (1); Likely benign (1). Last evaluated 2026-01-18.

Conditions:
Hereditary cancer-predisposing syndrome. Also called: Hereditary Cancer Syndrome; Hereditary neoplastic syndrome; Neoplastic Syndromes, Hereditary; Tumor predisposition. Identifiers: Orphanet 140162, MedGen C0027672, MeSH D009386, MONDO:0015356.

Allele frequency attached by ClinVar (database versions not stated): gnomAD exomes 0.00001 and 0.00004; gnomAD 0.00002 and 0.00003; TOPMed 0.00002; ExAC 0.00003.
gnomAD v4.1: 11 of 1,595,900 alleles (0.00069%); highest among the groups gnomAD compares: East Asian, 0.025%; no homozygotes.

Submissions (2):

Labcorp Genetics (formerly Invitae), Labcorp
Classification: Likely benign. Last evaluated: 2026-01-18. Review status: criteria provided, single submitter. Criteria: Invitae Variant Classification Sherloc (09022015). Collection method: clinical testing. Allele origin: germline.

Ambry Genetics
Classification: Uncertain significance for Hereditary cancer-predisposing syndrome. Last evaluated: 2023-02-09. Review status: criteria provided, single submitter. Criteria: Ambry General Variant Classification Scheme_2022. Collection method: clinical testing. Allele origin: germline.
Comment: The c.1897-6T>C intronic variant results from a T to C substitution 6 nucleotides upstream from coding exon 14 in the MSH3 gene. This nucleotide position is highly conserved in available vertebrate species. In silico splice site analysis predicts that this alteration will not have any significant effect on splicing; however, direct evidence is insufficient at this time (Ambry internal data). Since supporting evidence is limited at this time, the clinical significance of this alteration remains unclear.